The following is an entry in ClinVar:

NM_001040142.2(SCN2A):c.4745T>C (p.Leu1582Pro)

Gene: SCN2A (sodium voltage-gated channel alpha subunit 2; plus strand). Cytogenetic location: 2q24.3.
Variant type: single nucleotide variant.
Coding change: c.4745T>C on transcript NM_001040142.2 (MANE Select); coding-DNA position 4745, T replaced by C.
Protein change: p.Leu1582Pro; replaces leucine 1582 with proline.
Molecular consequence: missense variant.
Genome position (GRCh38, 1-based): chr2:165,386,939, T>C. VCF-style: chr2-165386939-T-C. GRCh37 (hg19) VCF-style: chr2-166243449-T-C.
Other names: c.4745T>C, p.Leu1582Pro (NM_001040143.2, NM_001371246.1, NM_001371247.1 and 1 more transcripts); short protein forms L1582P.
Identifiers: ClinVar variation 851010 (VCV000851010.10), dbSNP rs1701905156, ClinGen allele CA349036708.

ClinVar aggregate classification (germline): Pathogenic (1 of 4 stars; one submission).

Conditions:
Seizures, benign familial infantile, 3 (BFIS3). Also called: CONVULSIONS, BENIGN FAMILIAL INFANTILE, 3; Familial neonatal seizures. Identifiers: Orphanet 140927, Orphanet 306, MedGen C1843140, MONDO:0011904, OMIM 607745.
Developmental and epileptic encephalopathy, 11 (DEE11). Also called: Early infantile epileptic encephalopathy 11. Identifiers: Orphanet 1934, MedGen C3150987, MONDO:0013388, OMIM 613721.

Submission:

Labcorp Genetics (formerly Invitae), Labcorp
Classification: Pathogenic for Seizures, benign familial infantile, 3; Developmental and epileptic encephalopathy, 11. Last evaluated: 2023-08-17. Review status: criteria provided, single submitter. Criteria: Invitae Variant Classification Sherloc (09022015). Collection method: clinical testing. Allele origin: germline.
Comment: This variant is not present in population databases (gnomAD no frequency). This missense change has been observed in individual(s) with clinical features of SCN2A-related conditions (Invitae). In at least one individual the variant was observed to be de novo. ClinVar contains an entry for this variant (Variation ID: 851010). Advanced modeling of protein sequence and biophysical properties (such as structural, functional, and spatial information, amino acid conservation, physicochemical variation, residue mobility, and thermodynamic stability) performed at Invitae indicates that this missense variant is expected to disrupt SCN2A protein function. For these reasons, this variant has been classified as Pathogenic. This sequence change replaces leucine, which is neutral and non-polar, with proline, which is neutral and non-polar, at codon 1582 of the SCN2A protein (p.Leu1582Pro).